The following is an entry in ClinVar:

ClinVar aggregate classification (germline): Uncertain significance (1 of 4 stars; one submission).

Submission:

Ambry Genetics
Classification: Uncertain significance. Last evaluated: 2025-12-16. Review status: criteria provided, single submitter. Criteria: Ambry Variant Classification Scheme 2023. Collection method: clinical testing. Allele origin: germline.
Comment: The c.155T>C (p.M52T) alteration is located in exon 1 (coding exon 1) of the NUTM2A gene. This alteration results from a T to C substitution at nucleotide position 155, causing the methionine (M) at amino acid position 52 to be replaced by a threonine (T). Based on data from gnomAD, the C allele has an overall frequency of 0.02% (2/9864) total alleles studied. The highest observed frequency was 0.053% (2/3776) of African alleles. Based on insufficient or conflicting evidence, the clinical significance of this alteration remains unclear.

NM_001099338.2(NUTM2A):c.155T>C (p.Met52Thr)

Gene: NUTM2A (NUT family member 2A; plus strand). Cytogenetic location: 10q23.2.
Variant type: single nucleotide variant.
Coding change: c.155T>C on transcript NM_001099338.2 (MANE Select); coding-DNA position 155, T replaced by C.
Protein change: p.Met52Thr; replaces methionine 52 with threonine.
Molecular consequence: missense variant.
Genome position (GRCh38, 1-based): chr10:87,225,985, T>C. VCF-style: chr10-87225985-T-C. GRCh37 (hg19) VCF-style: chr10-88985742-T-C.
Other names: short protein forms M52T.
Identifiers: ClinVar variation 4829031 (VCV004829031.1).